The following is an entry in ClinVar:

ClinVar aggregate classification (germline): Uncertain significance (1 of 4 stars; one submission).

Conditions:
Bardet-Biedl syndrome (BBS). Identifiers: Orphanet 110, MedGen C0752166, MONDO:0015229.

Submission:

Labcorp Genetics (formerly Invitae), Labcorp
Classification: Uncertain significance for Bardet-Biedl syndrome. Last evaluated: 2021-03-06. Review status: criteria provided, single submitter. Criteria: Invitae Variant Classification Sherloc (09022015). Collection method: clinical testing. Allele origin: germline.
Comment: This sequence change replaces asparagine with serine at codon 148 of the BBS7 protein (p.Asn148Ser). The asparagine residue is highly conserved and there is a small physicochemical difference between asparagine and serine. This variant is not present in population databases (ExAC no frequency). This variant has not been reported in the literature in individuals with BBS7-related conditions. Algorithms developed to predict the effect of missense changes on protein structure and function (SIFT, PolyPhen-2, Align-GVGD) all suggest that this variant is likely to be tolerated, but these predictions have not been confirmed by published functional studies and their clinical significance is uncertain. In summary, the available evidence is currently insufficient to determine the role of this variant in disease. Therefore, it has been classified as a Variant of Uncertain Significance.

NM_176824.3(BBS7):c.443A>G (p.Asn148Ser)

Gene: BBS7 (Bardet-Biedl syndrome 7; minus strand). Cytogenetic location: 4q27.
Variant type: single nucleotide variant.
Coding change: c.443A>G on transcript NM_176824.3 (MANE Select); coding-DNA position 443, A replaced by G.
Protein change: p.Asn148Ser; replaces asparagine 148 with serine.
Molecular consequence: missense variant.
Genome position (GRCh38, 1-based): chr4:121,859,077, T>C on the plus strand (A>G on the coding strand, the complement: BBS7 is on the minus strand). VCF-style: chr4-121859077-T-C. GRCh37 (hg19) VCF-style: chr4-122780232-T-C.
Other names: c.443A>G, p.Asn148Ser (NM_018190.4); short protein forms N148S.
Identifiers: ClinVar variation 1521397 (VCV001521397.8), dbSNP rs2149084908, ClinGen allele CA358043075.